The following is an entry in ClinVar:

NM_032444.4(SLX4):c.1490T>C (p.Leu497Ser)

Gene: SLX4 (SLX4 structure-specific endonuclease subunit; minus strand). Cytogenetic location: 16p13.3.
Variant type: single nucleotide variant.
Coding change: c.1490T>C on transcript NM_032444.4 (MANE Select); coding-DNA position 1490, T replaced by C.
Protein change: p.Leu497Ser; replaces leucine 497 with serine.
Molecular consequence: missense variant.
Genome position (GRCh38, 1-based): chr16:3,597,572, A>G on the plus strand (T>C on the coding strand, the complement: SLX4 is on the minus strand). VCF-style: chr16-3597572-A-G. GRCh37 (hg19) VCF-style: chr16-3647573-A-G.
Other names: short protein forms L497S.
Identifiers: ClinVar variation 1691998 (VCV001691998.7), dbSNP rs200337039, ClinGen allele CA276964519.

ClinVar aggregate classification (germline): Uncertain significance. Review status: criteria provided, multiple submitters, no conflicts (2 of 4 stars). 3 submissions from 3 submitters: Uncertain significance (3). Last evaluated 2024-03-12.

Conditions:
Fanconi anemia complementation group P. Also called: SLX4-Related Fanconi Anemia. Identifiers: Orphanet 84, MedGen C3469542, MONDO:0013499, OMIM 613951.
Fanconi anemia (FA). Also called: Fanconi's anemia. Identifiers: Orphanet 84, MedGen C0015625, MeSH D005199, MONDO:0019391.

Allele frequency attached by ClinVar (database versions not stated): gnomAD 0.00001; gnomAD exomes 0.00001; TOPMed 0.00001.

Submissions (3):

Labcorp Genetics (formerly Invitae), Labcorp
Classification: Uncertain significance for Fanconi anemia. Last evaluated: 2024-03-12. Review status: criteria provided, single submitter. Criteria: Invitae Variant Classification Sherloc (09022015). Collection method: clinical testing. Allele origin: germline.
Comment: This sequence change replaces leucine, which is neutral and non-polar, with serine, which is neutral and polar, at codon 497 of the SLX4 protein (p.Leu497Ser). This variant is not present in population databases (gnomAD no frequency). This variant has not been reported in the literature in individuals affected with SLX4-related conditions. ClinVar contains an entry for this variant (Variation ID: 1691998). An algorithm developed to predict the effect of missense changes on protein structure and function (PolyPhen-2) suggests that this variant is likely to be disruptive. In summary, the available evidence is currently insufficient to determine the role of this variant in disease. Therefore, it has been classified as a Variant of Uncertain Significance.

Fulgent Genetics
Classification: Uncertain significance for Fanconi anemia complementation group P. Last evaluated: 2022-04-02. Review status: criteria provided, single submitter. Criteria: ACMG Guidelines, 2015. Collection method: clinical testing. Allele origin: unknown.

Sema4
Classification: Uncertain significance for Fanconi anemia. Last evaluated: 2021-09-25. Review status: criteria provided, single submitter. Criteria: Sema4 Curation Guidelines. Collection method: curation. Allele origin: germline.
Comment: The SLX4 c.1490T>C (p.L497S) variant has been reported in at least one individual with ovarian cancer (PMID: 32546565). It was not observed in the large and broad cohorts of the Genome Aggregation Database (PMID: 32461654). The variant has not been reported in ClinVar. In silico tools suggest the impact of the variant on protein function is benign though these predictions have not been confirmed by functional studies. The evidence is insufficient to meet ACMG/AMP criteria for classifying the variant as benign or pathogenic. Thus, the clinical significance of this variant is currently uncertain.

Literature cited by the submitters: PubMed 32546565 (cited by Sema4).